The following is an entry in ClinVar:

NM_058246.4(DNAJB6):c.564C>T (p.Phe188=)

Gene: DNAJB6 (DnaJ heat shock protein family (Hsp40) member B6; plus strand). Cytogenetic location: 7q36.3.
Variant type: single nucleotide variant.
Coding change: c.564C>T on transcript NM_058246.4 (MANE Select); coding-DNA position 564, C replaced by T.
Protein change: p.Phe188=; no amino-acid change (phenylalanine 188 retained).
Molecular consequence: synonymous variant. On other transcripts: intron variant (1).
Genome position (GRCh38, 1-based): chr7:157,384,952, C>T. VCF-style: chr7-157384952-C-T. GRCh37 (hg19) VCF-style: chr7-157177646-C-T.
Other names: c.564C>T, p.Phe188= (NM_005494.3); c.346+17469C>T (NM_001363676.1).
Identifiers: ClinVar variation 389707 (VCV000389707.18), dbSNP rs145897776, ClinGen allele CA4590555.

ClinVar aggregate classification (germline): Conflicting classifications of pathogenicity. Review status: criteria provided, conflicting classifications (1 of 4 stars). 3 submissions from 3 submitters: Uncertain significance (1); Likely benign (2). Last evaluated 2024-08-31.

Conditions:
Autosomal dominant limb-girdle muscular dystrophy type 1D (DNAJB6) (LGMDD1). Also called: MUSCULAR DYSTROPHY, LIMB-GIRDLE, TYPE 1D; MUSCULAR DYSTROPHY, AUTOSOMAL DOMINANT, WITH RIMMED VACUOLES; Autosomal dominant limb-girdle muscular dystrophy type 1D; Muscular dystrophy, limb-girdle, autosomal dominant 1. Identifiers: Orphanet 34516, MedGen C4721885, MONDO:0021018, OMIM 603511.

Allele frequency attached by ClinVar (database versions not stated): TOPMed 0.00004; ExAC 0.00005; gnomAD exomes 0.00005 and 0.00008; gnomAD 0.00006 and 0.00007; ESP Exome Variant Server 0.00015; 1000 Genomes Project 30x 0.00016; 1000 Genomes Project 0.00020.
gnomAD v4.1: 128 of 1,614,086 alleles (0.0079%); highest among the groups gnomAD compares: Non-Finnish European, 0.011%; no homozygotes.

Submissions (3):

Labcorp Genetics (formerly Invitae), Labcorp
Classification: Likely benign for Autosomal dominant limb-girdle muscular dystrophy type 1D (DNAJB6). Last evaluated: 2024-08-31. Review status: criteria provided, single submitter. Criteria: Invitae Variant Classification Sherloc (09022015). Collection method: clinical testing. Allele origin: germline.

Eurofins Ntd Llc (ga)
Classification: Uncertain significance. Last evaluated: 2018-06-07. Review status: criteria provided, single submitter. Criteria: EGL ClinVar v180209 classification definitions. Collection method: clinical testing. Allele origin: germline. Observed: 3 variant alleles, 3 heterozygotes.

GeneDx
Classification: Likely benign. Last evaluated: 2016-10-19. Review status: criteria provided, single submitter. Criteria: GeneDx Variant Classification (06012015). Collection method: clinical testing. Allele origin: germline. Affected: yes.
Comment: This variant is considered likely benign or benign based on one or more of the following criteria: it is a conservative change, it occurs at a poorly conserved position in the protein, it is predicted to be benign by multiple in silico algorithms, and/or has population frequency not consistent with disease.